The following is an entry in ClinVar:

ClinVar aggregate classification (germline): Pathogenic (1 of 4 stars; one submission).

Conditions:
Congenital erythropoietic porphyria. Also called: Porphyria, Erythropoietic; Congenital porphyria; Günther disease; Uroporphyrinogen III synthase, deficiency of; UROPORPHYRINOGEN III SYNTHASE DEFICIENCY; GUNTHER DISEASE. Identifiers: Orphanet 79277, MedGen C5886774, MONDO:0009902, OMIM 263700.

Allele frequency attached by ClinVar (database versions not stated): gnomAD exomes below 0.00001.
gnomAD v4.1: 1 of 1,614,208 alleles (0.000062%); highest among the groups gnomAD compares: Non-Finnish European, 0.000085%; no homozygotes.

Submission:

Diagnostics Services (NGS), CSIR - Centre For Cellular And Molecular Biology
Classification: Pathogenic for Congenital erythropoietic porphyria. Last evaluated: 2019-09-19. Review status: criteria provided, single submitter. Criteria: ACMG Guidelines, 2015. Collection method: clinical testing. Allele origin: germline. Inheritance: Autosomal recessive inheritance. Affected: yes. Observed: 1 homozygote.
Comment: The Tyr19Cys variant is not present in any publicly available databases like 1000 Genomes, Exome Variant Server (EVS), Exome Aggregation Consortium (ExAC), Genome Aggregation Database (gnomAD) and dbSNP. The variant is also not present in our in-house exome database. This variant was reported earlier in affected individuals with similar phenotype in Human Genome Mutation Database (CM951262) [Xu et al., J Clin Invest 1995]. In-silico pathogenicity prediction programs like SIFT, Polyphen2, Mutation Taster2, CADD etc. predicted this variant as likely disease causing. As per the ACMG guidelines the variant has been classified as pathogenic.

NM_000375.3(UROS):c.56A>G (p.Tyr19Cys)

Gene: UROS (uroporphyrinogen III synthase; minus strand). Cytogenetic location: 10q26.2.
Variant type: single nucleotide variant.
Coding change: c.56A>G on transcript NM_000375.3 (MANE Select); coding-DNA position 56, A replaced by G.
Protein change: p.Tyr19Cys; replaces tyrosine 19 with cysteine.
Molecular consequence: missense variant. On other transcripts: non-coding transcript variant (3).
Genome position (GRCh38, 1-based): chr10:125,816,444, T>C on the plus strand (A>G on the coding strand, the complement: UROS is on the minus strand). VCF-style: chr10-125816444-T-C. GRCh37 (hg19) VCF-style: chr10-127505013-T-C.
Other names: c.56A>G, p.Tyr19Cys (NM_001324036.2, NM_001324037.2, NM_001324038.2 and 1 more transcripts); short protein forms Y19C.
Identifiers: ClinVar variation 694740 (VCV000694740.5), dbSNP rs1590007244, ClinGen allele CA378662477.